The following is an entry in ClinVar:

ClinVar aggregate classification (germline): Uncertain significance (1 of 4 stars; one submission).

gnomAD v4.1: 9 of 1,614,198 alleles (0.00056%); highest among the groups gnomAD compares: Non-Finnish European, 0.00076%; no homozygotes.

Submission:

Labcorp Genetics (formerly Invitae), Labcorp
Classification: Uncertain significance. Last evaluated: 2022-07-13. Review status: criteria provided, single submitter. Criteria: Invitae Variant Classification Sherloc (09022015). Collection method: clinical testing. Allele origin: germline.
Comment: This sequence change replaces methionine, which is neutral and non-polar, with lysine, which is basic and polar, at codon 652 of the LCT protein (p.Met652Lys). This variant is not present in population databases (gnomAD no frequency). This variant has not been reported in the literature in individuals affected with LCT-related conditions. Algorithms developed to predict the effect of missense changes on protein structure and function output the following: SIFT: "Not Available"; PolyPhen-2: "Benign"; Align-GVGD: "Not Available". The lysine amino acid residue is found in multiple mammalian species, which suggests that this missense change does not adversely affect protein function. In summary, the available evidence is currently insufficient to determine the role of this variant in disease. Therefore, it has been classified as a Variant of Uncertain Significance.

NM_002299.4(LCT):c.1955T>A (p.Met652Lys)

Gene: LCT (lactase; minus strand). Cytogenetic location: 2q21.3.
Variant type: single nucleotide variant.
Coding change: c.1955T>A on transcript NM_002299.4 (MANE Select); coding-DNA position 1955, T replaced by A.
Protein change: p.Met652Lys; replaces methionine 652 with lysine.
Molecular consequence: missense variant.
Genome position (GRCh38, 1-based): chr2:135,812,709, A>T on the plus strand (T>A on the coding strand, the complement: LCT is on the minus strand). VCF-style: chr2-135812709-A-T. GRCh37 (hg19) VCF-style: chr2-136570279-A-T.
Other names: short protein forms M652K.
Identifiers: ClinVar variation 1959574 (VCV001959574.5), dbSNP rs759110561, ClinGen allele CA348605000.